The following is an entry in ClinVar:

ClinVar aggregate classification (germline): Uncertain significance (0 of 4 stars; one submission).

Conditions:
GNAS-related disorder. Identifiers: MedGen CN380105.

Submission:

PreventionGenetics, part of Exact Sciences
Classification: Uncertain significance for GNAS-related condition. Last evaluated: 2024-08-23. Review status: no assertion criteria provided. Collection method: clinical testing. Allele origin: germline.
Comment: The GNAS c.2026G>A variant is predicted to result in the amino acid substitution p.Glu676Lys. This variant is also referred to as c.-36436G>A (pre-coding) with the more commonly reported isoform, NM_000516. To our knowledge, this variant has not been reported in the literature. This variant is reported in 0.0035% of alleles in individuals of European (Non-Finnish) descent in gnomAD. At this time, the clinical significance of this variant is uncertain due to the absence of conclusive functional and genetic evidence.

NM_080425.4(GNAS):c.2026G>A (p.Glu676Lys)

Gene: GNAS (GNAS complex locus; plus strand). Cytogenetic location: 20q13.32.
Variant type: single nucleotide variant.
Coding change: c.2026G>A on transcript NM_080425.4 (MANE Plus Clinical); coding-DNA position 2026, G replaced by A.
Protein change: p.Glu676Lys; replaces glutamic acid 676 with lysine.
Molecular consequence: missense variant. On other transcripts: synonymous variant (2), intron variant (3).
Genome position (GRCh38, 1-based): chr20:58,855,291, G>A. VCF-style: chr20-58855291-G-A. GRCh37 (hg19) VCF-style: chr20-57430346-G-A.
Other names: c.1839G>A, p.Thr613= (NM_001077490.3, NM_001309883.1); c.2026G>A, p.Glu676Lys (NM_001410913.1); c.*42+14405G>A (NM_016592.5); c.43+14405G>A (NM_001410912.1); c.-39+13416G>A (NM_001309861.2); short protein forms E676K.
Identifiers: ClinVar variation 3345705 (VCV003345705.1).